The following is an entry in ClinVar:

NM_182641.4(BPTF):c.1631G>C (p.Ser544Thr)

Gene: BPTF (bromodomain PHD finger transcription factor; plus strand). Cytogenetic location: 17q24.2.
Variant type: single nucleotide variant.
Coding change: c.1631G>C on transcript NM_182641.4 (MANE Select); coding-DNA position 1631, G replaced by C.
Protein change: p.Ser544Thr; replaces serine 544 with threonine.
Molecular consequence: missense variant.
Genome position (GRCh38, 1-based): chr17:67,866,658, G>C. VCF-style: chr17-67866658-G-C. GRCh37 (hg19) VCF-style: chr17-65862774-G-C.
Other names: c.1631G>C, p.Ser544Thr (NM_004459.7); short protein forms S544T.
Identifiers: ClinVar variation 3825205 (VCV003825205.2).

ClinVar aggregate classification (germline): Uncertain significance. Review status: criteria provided, multiple submitters, no conflicts (2 of 4 stars). 2 submissions from 2 submitters: Uncertain significance (2). Last evaluated 2026-08-06.

Conditions:
Inborn genetic diseases. Identifiers: MedGen C0950123, MeSH D030342.

gnomAD v4.1: 5 of 1,613,716 alleles (0.00031%); highest among the groups gnomAD compares: Non-Finnish European, 0.00042%; no homozygotes.

Submissions (2):

OLLIN Analises Genomicas, OLLIN
Classification: Uncertain significance. Last evaluated: 2026-08-06. Review status: criteria provided, single submitter. Criteria: ACMG Guidelines 2015 PMID 25741868. Collection method: clinical testing. Allele origin: germline.
Comment: This missense variant, located in exon 3 (of 28), has been reported in ClinVar (accession VCV003825205.1) and in gnomAD with an allele frequency of 0.00031%. However, to our knowledge, it has not been reported in the scientific literature. In silico analysis predicts that this variant has a tolerated effect. This gene is constrained for missense variation. According to the currently available evidence, this variant has been classified as uncertain significance (PP2, BP4_M).

Ambry Genetics
Classification: Uncertain significance for Inborn genetic diseases. Last evaluated: 2025-01-09. Review status: criteria provided, single submitter. Criteria: Ambry Variant Classification Scheme 2023. Collection method: clinical testing. Allele origin: germline.